The following is an entry in ClinVar:

ClinVar aggregate classification (germline): Conflicting classifications of pathogenicity. Review status: criteria provided, conflicting classifications (1 of 4 stars). 3 submissions from 3 submitters: Uncertain significance (2); Likely benign (1). Last evaluated 2022-12-28.

Conditions:
Autosomal recessive limb-girdle muscular dystrophy type 2J (LGMDR10). Also called: Limb-girdle muscular dystrophy, type 2J; MUSCULAR DYSTROPHY, LIMB-GIRDLE, AUTOSOMAL RECESSIVE 10. Identifiers: Orphanet 140922, MedGen C1837342, MONDO:0012127, OMIM 608807.
Dilated cardiomyopathy 1G (CMD1G). Identifiers: Orphanet 154, MedGen C1858763, MONDO:0011400, OMIM 604145.

Allele frequency attached by ClinVar (database versions not stated): gnomAD exomes 0.00001 and 0.00002; ExAC 0.00002; gnomAD 0.00006 and 0.00005; TOPMed 0.00003.
gnomAD v4.1: 25 of 1,613,108 alleles (0.0015%); highest among the groups gnomAD compares: African/African-American, 0.0053%; no homozygotes.

Submissions (3):

Blueprint Genetics
Classification: Likely benign. Last evaluated: 2022-12-28. Review status: criteria provided, single submitter. Criteria: ACMG Guidelines, 2015. Collection method: clinical testing. Allele origin: germline.

Labcorp Genetics (formerly Invitae), Labcorp
Classification: Uncertain significance for Dilated cardiomyopathy 1G; Autosomal recessive limb-girdle muscular dystrophy type 2J. Last evaluated: 2017-12-20. Review status: criteria provided, single submitter. Criteria: Invitae Variant Classification Sherloc (09022015). Collection method: clinical testing. Allele origin: germline.

Laboratory for Molecular Medicine, Mass General Brigham Personalized Medicine
Classification: Uncertain significance. Last evaluated: 2014-12-03. Review status: criteria provided, single submitter. Criteria: LMM Criteria. Collection method: clinical testing. Allele origin: germline. Observed: 1 variant allele.
Comment: The p.Pro17433Leu variant in TTN has not been previously reported in individual with cardiomyopathy and was absent from large population studies. Computational prediction tools and conservation analysis suggest that the p.Pro17433Leu varian t may impact the protein, though this information is not predictive enough to de termine pathogenicity. In summary, the clinical significance of the p.Pro17433Le u variant is uncertain.

NM_001267550.2(TTN):c.60002C>T (p.Pro20001Leu)

Genes: TTN (titin; minus strand), TTN-AS1 (TTN antisense RNA 1; plus strand), LOC126806424 (CDK7 strongly-dependent group 2 enhancer GRCh37_chr2:179456337-179457536; plus strand). Cytogenetic location: 2q31.2.
Variant type: single nucleotide variant.
Coding change: c.60002C>T on transcript NM_001267550.2 (MANE Select); coding-DNA position 60002, C replaced by T.
Protein change: p.Pro20001Leu; replaces proline 20001 with leucine.
Molecular consequence: missense variant.
Genome position (GRCh38, 1-based): chr2:178,591,817, G>A on the plus strand (C>T on the coding strand, the complement: TTN is on the minus strand). VCF-style: chr2-178591817-G-A. GRCh37 (hg19) VCF-style: chr2-179456544-G-A.
Other names: c.52298C>T, p.Pro17433Leu (NM_133378.4); c.55079C>T, p.Pro18360Leu (NM_001256850.1); c.32807C>T, p.Pro10936Leu (NM_003319.4); c.33182C>T, p.Pro11061Leu (NM_133432.3); c.33383C>T, p.Pro11128Leu (NM_133437.4); short protein forms P17433L, P20001L, P10936L, P11061L, P18360L, P11128L.
Identifiers: ClinVar variation 180096 (VCV000180096.8), dbSNP rs727505345, ClinGen allele CA185801.